The following is an entry in ClinVar:

NM_001360.3(DHCR7):c.563dup (p.Tyr189fs)

Gene: DHCR7 (7-dehydrocholesterol reductase; minus strand). Cytogenetic location: 11q13.4.
Variant type: Duplication.
Coding change: c.563dup on transcript NM_001360.3 (MANE Select); coding-DNA position 563, one base duplicated (G; older notation c.563dupG).
Protein change: p.Tyr189fs; shifts the reading frame from tyrosine 189.
Molecular consequence: frameshift variant.
Genome position (GRCh38, 1-based): chr11:71,441,290, C duplicated on the plus strand (G on the coding strand, the reverse complement: DHCR7 is on the minus strand); the first of 2 consecutive C bases (chr11:71,441,290-71,441,291); duplicating either gives the same sequence. VCF-style (leftmost placement, unchanged base first): chr11-71441289-G-GC. GRCh37 (hg19) VCF-style: chr11-71152335-G-GC.
Other names: c.563dup, p.Tyr189fs (NM_001163817.2, NM_001425107.1, NM_001425109.1 and 7 more transcripts); c.563dup (NM_001360.2); c.599dup, p.Tyr201fs (NM_001425108.1); c.503dup, p.Tyr169fs (NM_001425113.1); c.467dup, p.Tyr157fs (NM_001425114.1, NM_001425116.1); c.389dup, p.Tyr131fs (NM_001425117.1); short protein forms Y131fs, Y157fs, Y169fs, Y189fs, Y201fs.
Identifiers: ClinVar variation 4065893 (VCV004065893.2).

ClinVar aggregate classification (germline): Likely pathogenic (1 of 4 stars; one submission).

Conditions:
Smith-Lemli-Opitz syndrome (SLOS). Also called: POLYDACTYLY, SEX REVERSAL, RENAL HYPOPLASIA, AND UNILOBAR LUNG; RSH SYNDROME; RUTLEDGE LETHAL MULTIPLE CONGENITAL ANOMALY SYNDROME; 7-Dehydrocholesterol reductase deficiency; LETHAL ACRODYSGENITAL SYNDROME. Identifiers: Orphanet 818, MedGen C0175694, MONDO:0010035, OMIM 270400.

Submission:

Natera, Inc.
Classification: Likely pathogenic for Smith-Lemli-Opitz syndrome. Last evaluated: 2025-01-09. Review status: criteria provided, single submitter. Criteria: Natera Variant Classification Schema (03/2026). Collection method: clinical testing. Allele origin: germline.
Comment: The c.563dup variant in DHCR7 is a frameshift variant predicted to shift the reading frame beginning at codon 189 and leads to a stop codon 38 codons downstream. This variant is expected to result in nonsense mediated decay, truncation, or a dysfunctional protein product. This variant is rare in the general population with a frequency below the threshold expected for the associated phenotype(s). Given the available evidence, this variant is classified as Likely Pathogenic.